The following is an entry in ClinVar:

ClinVar aggregate classification (germline): Uncertain significance. Review status: criteria provided, multiple submitters, no conflicts (2 of 4 stars). 2 submissions from 2 submitters: Uncertain significance (2). Last evaluated 2025-03-11.

Conditions:
Hereditary cancer-predisposing syndrome. Also called: Tumor predisposition; Neoplastic Syndromes, Hereditary; Hereditary Cancer Syndrome; Hereditary neoplastic syndrome. Identifiers: Orphanet 140162, MedGen C0027672, MeSH D009386, MONDO:0015356.
POLD1-related polyposis and colorectal cancer syndrome (CRCS10). Also called: Colorectal cancer 10; COLORECTAL CANCER, SUSCEPTIBILITY TO, ON CHROMOSOME 19q; Colorectal cancer, susceptibility to, 10. Identifiers: Orphanet 220460, MedGen C2675481, MONDO:0012953, OMIM 612591.

Submissions (2):

Ambry Genetics
Classification: Uncertain significance for Hereditary cancer-predisposing syndrome. Last evaluated: 2025-03-11. Review status: criteria provided, single submitter. Criteria: Ambry Variant Classification Scheme 2023. Collection method: clinical testing. Allele origin: germline.
Comment: The p.G631D variant (also known as c.1892G>A , located in coding exon 14 of the POLD1 gene, results from a G to A substitution at nucleotide position 1892. The amino acid change results in glycine to aspartic acid at codon 631, an amino acid with similar properties. However, this change occurs in the last base pair of coding exon 14, which makes it likely to have some effect on normal mRNA splicing. This nucleotide position is well conserved in available vertebrate species. This amino acid position is well conserved in available vertebrate species. In silico splice site analysis predicts that this alteration may weaken the native splice donor site. In addition, as a missense substitution this is predicted to be tolerated by in silico analysis. Based on the available evidence, the clinical significance of this variant remains unclear.

Labcorp Genetics (formerly Invitae), Labcorp
Classification: Uncertain significance for POLD1-related polyposis and colorectal cancer syndrome. Last evaluated: 2024-08-03. Review status: criteria provided, single submitter. Criteria: Invitae Variant Classification Sherloc (09022015). Collection method: clinical testing. Allele origin: germline.
Comment: This sequence change replaces glycine, which is neutral and non-polar, with aspartic acid, which is acidic and polar, at codon 631 of the POLD1 protein (p.Gly631Asp). This variant also falls at the last nucleotide of exon 15, which is part of the consensus splice site for this exon. This variant is not present in population databases (gnomAD no frequency). This variant has not been reported in the literature in individuals affected with POLD1-related conditions. ClinVar contains an entry for this variant (Variation ID: 579354). An algorithm developed to predict the effect of missense changes on protein structure and function (PolyPhen-2) suggests that this variant is likely to be disruptive. Variants that disrupt the consensus splice site are a relatively common cause of aberrant splicing (PMID: 17576681, 9536098). Algorithms developed to predict the effect of sequence changes on RNA splicing suggest that this variant may disrupt the consensus splice site. In summary, the available evidence is currently insufficient to determine the role of this variant in disease. Therefore, it has been classified as a Variant of Uncertain Significance.

Literature cited by the submitters: PubMed 17576681 (cited by Labcorp Genetics (formerly Invitae), Labcorp); PubMed 9536098 (cited by Labcorp Genetics (formerly Invitae), Labcorp).

NM_002691.4(POLD1):c.1892G>A (p.Gly631Asp)

Gene: POLD1 (DNA polymerase delta 1, catalytic subunit; plus strand). Cytogenetic location: 19q13.33.
Variant type: single nucleotide variant.
Coding change: c.1892G>A on transcript NM_002691.4 (MANE Select); coding-DNA position 1892, G replaced by A.
Protein change: p.Gly631Asp; replaces glycine 631 with aspartic acid.
Molecular consequence: missense variant. On other transcripts: non-coding transcript variant (1).
Genome position (GRCh38, 1-based): chr19:50,408,901, G>A. VCF-style: chr19-50408901-G-A. GRCh37 (hg19) VCF-style: chr19-50912158-G-A.
Other names: c.1892G>A, p.Gly631Asp (NM_001256849.1); c.1970G>A, p.Gly657Asp (NM_001308632.1); c.1892G>A (NM_002691.2); short protein forms G657D, G631D.
Identifiers: ClinVar variation 579354 (VCV000579354.10), dbSNP rs1568630464, ClinGen allele CA406982171.